The following is an entry in ClinVar:

ClinVar aggregate classification (germline): Uncertain significance. Review status: criteria provided, multiple submitters, no conflicts (2 of 4 stars). 2 submissions from 2 submitters: Uncertain significance (2). Last evaluated 2025-11-06.

Allele frequency attached by ClinVar (database versions not stated): gnomAD exomes 0.00001; TOPMed 0.00001; gnomAD 0.00002; ExAC 0.00003; 1000 Genomes Project 30x 0.00016; 1000 Genomes Project 0.00020.
gnomAD v4.1: 16 of 1,611,772 alleles (0.00099%); highest among the groups gnomAD compares: Non-Finnish European, 0.0013%; no homozygotes.

Submissions (2):

Labcorp Genetics (formerly Invitae), Labcorp
Classification: Uncertain significance. Last evaluated: 2025-11-06. Review status: criteria provided, single submitter. Criteria: Invitae Variant Classification Sherloc (09022015). Collection method: clinical testing. Allele origin: germline.
Comment: This sequence change replaces leucine, which is neutral and non-polar, with proline, which is neutral and non-polar, at codon 222 of the OPA1 protein (p.Leu222Pro). This variant is present in population databases (rs200223621, gnomAD 0.003%). This missense change has been observed in individual(s) with clinical features of OPA1-related conditions (PMID: 19319978). ClinVar contains an entry for this variant (Variation ID: 2734611). Invitae Evidence Modeling of protein sequence and biophysical properties (such as structural, functional, and spatial information, amino acid conservation, physicochemical variation, residue mobility, and thermodynamic stability) has been performed for this missense variant. However, the output from this modeling did not meet the statistical confidence thresholds required to predict the impact of this variant on OPA1 protein function. In summary, the available evidence is currently insufficient to determine the role of this variant in disease. Therefore, it has been classified as a Variant of Uncertain Significance.

Blueprint Genetics
Classification: Uncertain significance. Last evaluated: 2018-10-17. Review status: criteria provided, single submitter. Criteria: ACMG Guidelines, 2015. Collection method: clinical testing. Allele origin: germline.

Literature cited by the submitters: PubMed 19319978 (cited by Labcorp Genetics (formerly Invitae), Labcorp).

NM_130837.3(OPA1):c.830T>C (p.Leu277Pro)

Gene: OPA1 (OPA1 mitochondrial dynamin like GTPase; plus strand). Cytogenetic location: 3q29.
Variant type: single nucleotide variant.
Coding change: c.830T>C on transcript NM_130837.3 (MANE Select); coding-DNA position 830, T replaced by C.
Protein change: p.Leu277Pro; replaces leucine 277 with proline.
Molecular consequence: missense variant.
Genome position (GRCh38, 1-based): chr3:193,631,652, T>C. VCF-style: chr3-193631652-T-C. GRCh37 (hg19) VCF-style: chr3-193349441-T-C.
Other names: c.296T>C, p.Leu99Pro (NM_001354663.2); c.293T>C, p.Leu98Pro (NM_001354664.2); c.665T>C, p.Leu222Pro (NM_015560.3); c.557T>C, p.Leu186Pro (NM_130831.3); c.611T>C, p.Leu204Pro (NM_130832.3); c.668T>C, p.Leu223Pro (NM_130833.3); c.719T>C, p.Leu240Pro (NM_130834.3); c.722T>C, p.Leu241Pro (NM_130835.3); and 1 more; short protein forms L186P, L204P, L222P, L240P, L223P, L241P, L259P, L98P.
Identifiers: ClinVar variation 2734611 (VCV002734611.4), dbSNP rs200223621, ClinGen allele CA2759168.